The following is an entry in ClinVar:

ClinVar aggregate classification (germline): Uncertain significance. Review status: criteria provided, multiple submitters, no conflicts (2 of 4 stars). 2 submissions from 2 submitters: Uncertain significance (2). Last evaluated 2024-07-01.

Conditions:
NF1-related disorder. Also called: NF1-related condition. Identifiers: MedGen CN379171.
Neurofibromatosis, type 1 (NF1). Also called: VON RECKLINGHAUSEN DISEASE; NEUROFIBROMATOSIS, TYPE I, SOMATIC; Peripheral type neurofibromatosis; Neurofibromatosis, type I. Identifiers: Orphanet 636, MedGen C0027831, MONDO:0018975, OMIM 162200. Disease mechanism: loss of function.

Submissions (2):

Labcorp Genetics (formerly Invitae), Labcorp
Classification: Uncertain significance for Neurofibromatosis, type 1. Last evaluated: 2024-07-01. Review status: criteria provided, single submitter. Criteria: Invitae Variant Classification Sherloc (09022015). Collection method: clinical testing. Allele origin: germline.
Comment: This sequence change replaces leucine, which is neutral and non-polar, with arginine, which is basic and polar, at codon 353 of the NF1 protein (p.Leu353Arg). This variant is not present in population databases (gnomAD no frequency). This variant has not been reported in the literature in individuals affected with NF1-related conditions. ClinVar contains an entry for this variant (Variation ID: 2633871). Advanced modeling of protein sequence and biophysical properties (such as structural, functional, and spatial information, amino acid conservation, physicochemical variation, residue mobility, and thermodynamic stability) performed at Invitae indicates that this missense variant is expected to disrupt NF1 protein function with a positive predictive value of 95%. In summary, the available evidence is currently insufficient to determine the role of this variant in disease. Therefore, it has been classified as a Variant of Uncertain Significance.

PreventionGenetics, part of Exact Sciences
Classification: Uncertain significance for NF1-related condition. Last evaluated: 2023-03-06. Review status: criteria provided, single submitter. Criteria: ACMG Guidelines, 2015. Collection method: clinical testing. Allele origin: germline.
Comment: The NF1 c.1058T>G variant is predicted to result in the amino acid substitution p.Leu353Arg. To our knowledge, this variant has not been reported in the literature or in a large population database, indicating this variant is rare. At this time, the clinical significance of this variant is uncertain due to the absence of conclusive functional and genetic evidence.

NM_001042492.3(NF1):c.1058T>G (p.Leu353Arg)

Gene: NF1 (neurofibromin 1; plus strand). Cytogenetic location: 17q11.2.
Variant type: single nucleotide variant.
Coding change: c.1058T>G on transcript NM_001042492.3 (MANE Select); coding-DNA position 1058, T replaced by G.
Protein change: p.Leu353Arg; replaces leucine 353 with arginine.
Molecular consequence: missense variant.
Genome position (GRCh38, 1-based): chr17:31,200,591, T>G. VCF-style: chr17-31200591-T-G. GRCh37 (hg19) VCF-style: chr17-29527609-T-G.
Other names: c.1058T>G, p.Leu353Arg (NM_000267.4, NM_001128147.3); short protein forms L353R.
Identifiers: ClinVar variation 2633871 (VCV002633871.3), dbSNP rs2066510063, ClinGen allele CA398996545.